The following is an entry in ClinVar:

NM_000460.4(THPO):c.356G>A (p.Arg119His)

Gene: THPO (thrombopoietin; minus strand). Cytogenetic location: 3q27.1.
Variant type: single nucleotide variant.
Coding change: c.356G>A on transcript NM_000460.4 (MANE Select); coding-DNA position 356, G replaced by A.
Protein change: p.Arg119His; replaces arginine 119 with histidine.
Molecular consequence: missense variant.
Genome position (GRCh38, 1-based): chr3:184,373,455, C>T on the plus strand (G>A on the coding strand, the complement: THPO is on the minus strand). VCF-style: chr3-184373455-C-T. GRCh37 (hg19) VCF-style: chr3-184091243-C-T.
Other names: c.356G>A, p.Arg119His (NM_001177597.2, LRG_580t1, NM_001177598.2 and 6 more transcripts); c.776G>A, p.Arg259His (NM_001290003.1); short protein forms R119H, R259H.
Identifiers: ClinVar variation 197671 (VCV000197671.13), dbSNP rs143216798, ClinGen allele CA245927.

ClinVar aggregate classification (germline): Conflicting classifications of pathogenicity. Review status: criteria provided, conflicting classifications (1 of 4 stars). 4 submissions from 4 submitters: Uncertain significance (3); Likely benign (1). Last evaluated 2024-06-08.

Conditions:
Inborn genetic diseases. Identifiers: MedGen C0950123, MeSH D030342.
Thrombocythemia 1 (THCYT1). Also called: THROMBOCYTOSIS 1; THROMBOCYTHEMIA, SOMATIC. Identifiers: MedGen C3277671, MONDO:0008554, OMIM 187950.

Allele frequency attached by ClinVar (database versions not stated): ESP Exome Variant Server 0.00023; gnomAD 0.00034 and 0.00038; TOPMed 0.00037; gnomAD exomes 0.00008 and 0.00012; ExAC 0.00016.
gnomAD v4.1: 174 of 1,613,952 alleles (0.011%); highest among the groups gnomAD compares: African/African-American, 0.099%; no homozygotes.

Submissions (4):

Labcorp Genetics (formerly Invitae), Labcorp
Classification: Uncertain significance. Last evaluated: 2024-06-08. Review status: criteria provided, single submitter. Criteria: Invitae Variant Classification Sherloc (09022015). Collection method: clinical testing. Allele origin: germline.
Comment: This sequence change replaces arginine, which is basic and polar, with histidine, which is basic and polar, at codon 119 of the THPO protein (p.Arg119His). This variant is present in population databases (rs143216798, gnomAD 0.1%). This variant has not been reported in the literature in individuals affected with THPO-related conditions. ClinVar contains an entry for this variant (Variation ID: 197671). Advanced modeling of protein sequence and biophysical properties (such as structural, functional, and spatial information, amino acid conservation, physicochemical variation, residue mobility, and thermodynamic stability) performed at Invitae indicates that this missense variant is not expected to disrupt THPO protein function with a negative predictive value of 80%. In summary, the available evidence is currently insufficient to determine the role of this variant in disease. Therefore, it has been classified as a Variant of Uncertain Significance.

Ambry Genetics
Classification: Uncertain significance for Inborn genetic diseases. Last evaluated: 2021-07-21. Review status: criteria provided, single submitter. Criteria: Ambry Variant Classification Scheme 2023. Collection method: clinical testing. Allele origin: germline.

Illumina Laboratory Services, Illumina
Classification: Likely benign for Thrombocythemia 1. Last evaluated: 2018-01-12. Review status: criteria provided, single submitter. Criteria: ICSL Variant Classification Criteria 13 December 2019. Collection method: clinical testing. Allele origin: germline.
Comment: This variant was observed in the ICSL laboratory as part of a predisposition screen in an ostensibly healthy population. It had not been previously curated by ICSL or reported in the Human Gene Mutation Database (HGMD: prior to June 1st, 2018), and was therefore a candidate for classification through an automated scoring system. Utilizing variant allele frequency, disease prevalence and penetrance estimates, and inheritance mode, an automated score was calculated to assess if this variant is too frequent to cause the disease. Based on the score and internal cut-off values, a variant classified as likely benign is not then subjected to further curation. The score for this variant resulted in a classification of likely benign for this disease.

Eurofins Ntd Llc (ga)
Classification: Uncertain significance. Last evaluated: 2015-01-17. Review status: criteria provided, single submitter. Criteria: EGL Classification Definitions 2015. Collection method: clinical testing. Allele origin: germline. Observed: 1 variant allele, 1 heterozygote.